The following is an entry in ClinVar:

ClinVar aggregate classification (germline): Uncertain significance. Review status: criteria provided, multiple submitters, no conflicts (2 of 4 stars). 2 submissions from 2 submitters: Uncertain significance (2). Last evaluated 2025-06-17.

Conditions:
Inborn genetic diseases. Identifiers: MedGen C0950123, MeSH D030342.

Allele frequency attached by ClinVar (database versions not stated): gnomAD exomes below 0.00001 and 0.00002; gnomAD 0.00001 and 0.00002; TOPMed 0.00006.
gnomAD v4.1: 10 of 1,613,692 alleles (0.00062%); highest among the groups gnomAD compares: African/African-American, 0.011%; no homozygotes.

Submissions (2):

Ambry Genetics
Classification: Uncertain significance for Inborn genetic diseases. Last evaluated: 2025-06-17. Review status: criteria provided, single submitter. Criteria: Ambry Variant Classification Scheme 2023. Collection method: clinical testing. Allele origin: germline.

Labcorp Genetics (formerly Invitae), Labcorp
Classification: Uncertain significance. Last evaluated: 2021-12-03. Review status: criteria provided, single submitter. Criteria: Invitae Variant Classification Sherloc (09022015). Collection method: clinical testing. Allele origin: germline.
Comment: In summary, the available evidence is currently insufficient to determine the role of this variant in disease. Therefore, it has been classified as a Variant of Uncertain Significance. Algorithms developed to predict the effect of missense changes on protein structure and function output the following: SIFT: "Tolerated"; PolyPhen-2: "Probably Damaging"; Align-GVGD: "Class C0". The alanine amino acid residue is found in multiple mammalian species, which suggests that this missense change does not adversely affect protein function. This variant has not been reported in the literature in individuals affected with RNF216-related conditions. This variant is present in population databases (no rsID available, gnomAD 0.02%). This sequence change replaces proline, which is neutral and non-polar, with alanine, which is neutral and non-polar, at codon 580 of the RNF216 protein (p.Pro580Ala).

NM_207111.4(RNF216):c.1738C>G (p.Pro580Ala)

Gene: RNF216 (ring finger protein 216; minus strand). Cytogenetic location: 7p22.1.
Variant type: single nucleotide variant.
Coding change: c.1738C>G on transcript NM_207111.4 (MANE Select); coding-DNA position 1738, C replaced by G.
Protein change: p.Pro580Ala; replaces proline 580 with alanine.
Molecular consequence: missense variant.
Genome position (GRCh38, 1-based): chr7:5,715,148, G>C on the plus strand (C>G on the coding strand, the complement: RNF216 is on the minus strand). VCF-style: chr7-5715148-G-C. GRCh37 (hg19) VCF-style: chr7-5754779-G-C.
Other names: c.1567C>G, p.Pro523Ala (NM_001377156.1, NM_207116.3); c.1738C>G (NM_207111.3); short protein forms P523A, P580A.
Identifiers: ClinVar variation 1406717 (VCV001406717.9), dbSNP rs987532851, ClinGen allele CA153228117.
Genomic context (GRCh38, chr7:5,715,148, plus strand): 5'-TGATGAGACACTCTTTGCAGAACAAGTGAGCATCTGCGCACTGCGTCAGCTCCTCGAATG[G>C]AAATTCCCCATAGCAGCAGCGACACTCAATCAGCTGGCCATCCTGCAGGCAGTCAAGAAA-3'
Protein context (NP_996994.1, residues 570-590): IECRCCYGEF[Pro580Ala]FEELTQCADA